The following is an entry in ClinVar:

ClinVar aggregate classification (germline): Conflicting classifications of pathogenicity. Review status: criteria provided, conflicting classifications (1 of 4 stars). 2 submissions from 2 submitters: Likely pathogenic (1); Uncertain significance (1). Last evaluated 2024-06-01.

Allele frequency attached by ClinVar (database versions not stated): gnomAD 0.00003; gnomAD exomes 0.00003; TOPMed 0.00003; ExAC 0.00004; ESP Exome Variant Server 0.00008.

Submissions (2):

CeGaT Center for Human Genetics Tuebingen
Classification: Likely pathogenic. Last evaluated: 2024-06-01. Review status: criteria provided, single submitter. Criteria: CeGaT Center For Human Genetics Tuebingen Variant Classification Criteria Version 2. Collection method: clinical testing. Allele origin: germline. Affected: yes. Observed: 1 variant allele.
Comment: PKLR: PM2, PP4:Moderate, PM3:Supporting, PP3

Revvity Omics, Revvity
Classification: Uncertain significance. Last evaluated: 2022-06-02. Review status: criteria provided, single submitter. Criteria: ACMG Guidelines, 2015. Collection method: clinical testing. Allele origin: germline.

NM_000298.6(PKLR):c.257G>A (p.Arg86His)

Gene: PKLR (pyruvate kinase L/R; minus strand). Cytogenetic location: 1q22.
Variant type: single nucleotide variant.
Coding change: c.257G>A on transcript NM_000298.6 (MANE Select); coding-DNA position 257, G replaced by A.
Protein change: p.Arg86His; replaces arginine 86 with histidine.
Molecular consequence: missense variant.
Genome position (GRCh38, 1-based): chr1:155,300,124, C>T on the plus strand (G>A on the coding strand, the complement: PKLR is on the minus strand). VCF-style: chr1-155300124-C-T. GRCh37 (hg19) VCF-style: chr1-155269915-C-T.
Other names: c.164G>A, p.Arg55His (NM_181871.4); short protein forms R55H, R86H.
Identifiers: ClinVar variation 2434900 (VCV002434900.21), dbSNP rs375471342, ClinGen allele CA1144418.